The following is an entry in ClinVar:

NM_198252.3(GSN):c.2060G>A (p.Arg687Gln)

Gene: GSN (gelsolin; plus strand). Cytogenetic location: 9q33.2.
Variant type: single nucleotide variant.
Coding change: c.2060G>A on transcript NM_198252.3 (MANE Select); coding-DNA position 2060, G replaced by A.
Protein change: p.Arg687Gln; replaces arginine 687 with glutamine.
Molecular consequence: missense variant.
Genome position (GRCh38, 1-based): chr9:121,332,467, G>A. VCF-style: chr9-121332467-G-A. GRCh37 (hg19) VCF-style: chr9-124094745-G-A.
Other names: c.2213G>A, p.Arg738Gln (NM_000177.5); c.2060G>A, p.Arg687Gln (NM_001127662.2, NM_001127664.2, NM_001127665.2 and 10 more transcripts); c.2168G>A, p.Arg723Gln (NM_001127663.2); c.2093G>A, p.Arg698Gln (NM_001127666.2, NM_001127667.2, NM_001353063.2 and 13 more transcripts); c.2111G>A, p.Arg704Gln (NM_001258029.2); c.2084G>A, p.Arg695Gln (NM_001258030.2); c.2132G>A, p.Arg711Gln (NM_001353076.2); c.1406G>A, p.Arg469Gln (NM_001353078.2); short protein forms R687Q, R698Q, R704Q, R723Q, R738Q, R469Q, R695Q, R711Q.
Identifiers: ClinVar variation 915195 (VCV000915195.8), dbSNP rs770023727, ClinGen allele CA5221533.

ClinVar aggregate classification (germline): Conflicting classifications of pathogenicity. Review status: criteria provided, conflicting classifications (1 of 4 stars). 2 submissions from 2 submitters: Uncertain significance (1); Likely benign (1). Last evaluated 2025-02-18.

Conditions:
Finnish type amyloidosis. Also called: Lattice corneal dystrophy associated with familial systemic amyloidosis; Meretoja's syndrome; Lattice dystrophy of the cornea with hereditary generalized amyloidosis; AMYLOIDOSIS, HEREDITARY SYSTEMIC 4, FINNISH TYPE; AMYLOID CRANIAL NEUROPATHY WITH LATTICE CORNEAL DYSTROPHY; AMYLOIDOSIS DUE TO MUTANT GELSOLIN. Identifiers: Orphanet 85448, MedGen C1622345, MONDO:0007097, OMIM 105120.

Allele frequency attached by ClinVar (database versions not stated): gnomAD 0.00001; TOPMed 0.00001; ExAC 0.00002; gnomAD exomes 0.00002.
gnomAD v4.1: 25 of 1,614,000 alleles (0.0015%); highest among the groups gnomAD compares: African/African-American, 0.0027%; no homozygotes.

Submissions (2):

Labcorp Genetics (formerly Invitae), Labcorp
Classification: Uncertain significance. Last evaluated: 2025-02-18. Review status: criteria provided, single submitter. Criteria: Invitae Variant Classification Sherloc (09022015). Collection method: clinical testing. Allele origin: germline.
Comment: This sequence change replaces arginine, which is basic and polar, with glutamine, which is neutral and polar, at codon 738 of the GSN protein (p.Arg738Gln). This variant is present in population databases (rs770023727, gnomAD 0.004%). This variant has not been reported in the literature in individuals affected with GSN-related conditions. ClinVar contains an entry for this variant (Variation ID: 915195). Invitae Evidence Modeling of protein sequence and biophysical properties (such as structural, functional, and spatial information, amino acid conservation, physicochemical variation, residue mobility, and thermodynamic stability) indicates that this missense variant is expected to disrupt GSN protein function with a positive predictive value of 80%. In summary, the available evidence is currently insufficient to determine the role of this variant in disease. Therefore, it has been classified as a Variant of Uncertain Significance.

Illumina Laboratory Services, Illumina
Classification: Likely benign for Finnish type amyloidosis. Last evaluated: 2018-01-12. Review status: criteria provided, single submitter. Criteria: ICSL Variant Classification Criteria 13 December 2019. Collection method: clinical testing. Allele origin: germline.
Comment: This variant was observed in the ICSL laboratory as part of a predisposition screen in an ostensibly healthy population. It had not been previously curated by ICSL or reported in the Human Gene Mutation Database (HGMD: prior to June 1st, 2018), and was therefore a candidate for classification through an automated scoring system. Utilizing variant allele frequency, disease prevalence and penetrance estimates, and inheritance mode, an automated score was calculated to assess if this variant is too frequent to cause the disease. Based on the score and internal cut-off values, a variant classified as likely benign is not then subjected to further curation. The score for this variant resulted in a classification of likely benign for this disease.